The following is an entry in ClinVar:

ClinVar aggregate classification (germline): Conflicting classifications of pathogenicity. Review status: criteria provided, conflicting classifications (1 of 4 stars). 14 submissions from 14 submitters: Pathogenic (1); Likely pathogenic (6); Uncertain significance (7). Last evaluated 2026-04-01.

Conditions:
Fumarase deficiency (FMRD). Also called: Fumarate Hydratase Deficiency; Fumaric aciduria. Identifiers: Orphanet 24, MedGen C0342770, MONDO:0011730, OMIM 606812.
Hereditary cancer-predisposing syndrome. Also called: Tumor predisposition; Neoplastic Syndromes, Hereditary; Hereditary Cancer Syndrome; Hereditary neoplastic syndrome. Identifiers: Orphanet 140162, MedGen C0027672, MeSH D009386, MONDO:0015356.
Hereditary leiomyomatosis and renal cell cancer. Also called: Multiple cutaneous leiomyomas; LEIOMYOMA, MULTIPLE CUTANEOUS; MULTIPLE CUTANEOUS AND UTERINE LEIOMYOMATA 1, WITH OR WITHOUT RENAL CELL CARCINOMA; Reed syndrome; Multiple cutaneous and uterine leiomyomatosis; Cutaneous leiomyomata with uterine leiomyomata. Identifiers: Orphanet 523, MedGen C1708350, MONDO:0007888, OMIM 150800, HP:0007437. Disease mechanism: loss of function.

Allele frequency attached by ClinVar (database versions not stated): gnomAD 0.00001 and 0.00002; gnomAD exomes 0.00001 and 0.00002; ExAC 0.00002; TOPMed 0.00002.
gnomAD v4.1: 21 of 1,614,048 alleles (0.0013%); highest among the groups gnomAD compares: South Asian, 0.0044%; no homozygotes.

Submissions (15):

CeGaT Center for Human Genetics Tuebingen
Classification: Likely pathogenic. Last evaluated: 2026-04-01. Review status: criteria provided, single submitter. Criteria: CeGaT Center For Human Genetics Tuebingen Variant Classification Criteria Version 2. Collection method: clinical testing. Allele origin: germline. Affected: yes. Observed: 1 variant allele.
Comment: FH: PM2, PM3, PP3, PS3:Supporting

Center for Genomic Medicine, Rigshospitalet, Copenhagen University Hospital
Classification: Uncertain significance. Last evaluated: 2025-12-29. Review status: criteria provided, single submitter. Criteria: ACMG Guidelines, 2015. Collection method: clinical testing. Allele origin: germline.

Natera, Inc.
Classification: Likely pathogenic for Fumarase Deficiency. Last evaluated: 2025-11-14. Review status: criteria provided, single submitter. Criteria: Natera Variant Classification Schema (03/2026). Collection method: clinical testing. Allele origin: germline.
Comment: The c.1048C>T variant in FH is a missense variant predicted to cause substitution of arginine to tryptophan at amino acid 350. This variant is rare in the general population with a frequency below the threshold expected for the associated phenotype(s). This variant has been observed in one or more individuals affected with the associated recessive disease, as either homozygous or compound heterozygous with a second variant (PMID: 34643235, 36211164). This variant has been identified in one or more affected individual with a phenotype highly consistent with the associated gene (PMID: 36211164). Computational prediction algorithms indicate this variant is likely to affect gene or protein function. Given the available evidence, this variant is classified as Likely Pathogenic.

Labcorp Genetics (formerly Invitae), Labcorp
Classification: Pathogenic. Last evaluated: 2025-05-14. Review status: criteria provided, single submitter. Criteria: Invitae Variant Classification Sherloc (09022015). Collection method: clinical testing. Allele origin: germline.
Comment: This sequence change replaces arginine, which is basic and polar, with tryptophan, which is neutral and slightly polar, at codon 350 of the FH protein (p.Arg350Trp). This variant is present in population databases (rs755436052, gnomAD 0.006%). This missense change has been observed in individual(s) with autosomal recessive fumarate hydratase deficiency (PMID: 34643235). ClinVar contains an entry for this variant (Variation ID: 214418). Invitae Evidence Modeling of protein sequence and biophysical properties (such as structural, functional, and spatial information, amino acid conservation, physicochemical variation, residue mobility, and thermodynamic stability) indicates that this missense variant is expected to disrupt FH protein function with a positive predictive value of 95%. For these reasons, this variant has been classified as Pathogenic.

Quest Diagnostics Nichols Institute San Juan Capistrano
Classification: Uncertain significance. Last evaluated: 2025-05-13. Review status: criteria provided, single submitter. Criteria: Quest Diagnostics criteria. Collection method: clinical testing. Allele origin: unknown.
Comment: The FH c.1048C>T (p.Arg350Trp) variant has been reported in the published literature in individuals with fumarase deficiency (PMID: 34643235 (2021)), and colorectal cancer (PMID: 31118792 (2019)). A functional study demonstrated that this variant had inconclusive effects on protein function (PMID: 37255402 (2023)). The frequency of this variant in the general population (Genome Aggregation Database) is uninformative in the assessment of its pathogenicity. Analysis of this variant using bioinformatics tools for the prediction of the effect of amino acid changes on protein structure and function yielded predictions that this variant is damaging. Based on the available information, we are unable to determine the clinical significance of this variant.

GeneDx
Classification: Likely pathogenic. Last evaluated: 2025-03-18. Review status: criteria provided, single submitter. Criteria: GeneDx Variant Classification Process June 2021. Collection method: clinical testing. Allele origin: germline. Affected: yes.
Comment: Published functional studies suggest a reduction in enzyme activity for fumarate and malate conversion in vitro (PMID: 37255402); Not observed at significant frequency in large population cohorts (gnomAD); In silico analysis supports that this missense variant has a deleterious effect on protein structure/function; This variant is associated with the following publications: (PMID: 34643235, 36211164, 37255402, Larouche2024[abstract])

Ambry Genetics
Classification: Uncertain significance for Hereditary cancer-predisposing syndrome. Last evaluated: 2025-03-04. Review status: criteria provided, single submitter. Criteria: Ambry Variant Classification Scheme 2023. Collection method: clinical testing. Allele origin: germline.
Comment: The p.R350W variant (also known as c.1048C>T), located in coding exon 7 of the FH gene, results from a C to T substitution at nucleotide position 1048. The arginine at codon 350 is replaced by tryptophan, an amino acid with dissimilar properties. This alteration was found in a homozygous state in a proband meeting clinical criteria for FH deficiency (Jasinge E et al. Lab Med, 2022 May;53:e48-e50). This amino acid position is highly conserved in available vertebrate species. In addition, this alteration is predicted to be deleterious by in silico analysis. Based on the available evidence, the clinical significance of this alteration remains unclear.

Department of Genetics, Sultan Qaboos University Hospital
Classification: Likely pathogenic for Fumarase deficiency. Last evaluated: 2024-06-12. Review status: criteria provided, single submitter. Criteria: ACMG Guidelines, 2015. Collection method: curation. Allele origin: unknown. Affected: yes.

Baylor Genetics
Classification: Likely pathogenic for Fumarase deficiency. Last evaluated: 2024-01-25. Review status: criteria provided, single submitter. Criteria: ACMG Guidelines, 2015. Collection method: clinical testing. Allele origin: unknown.

3billion
Classification: Uncertain significance for Fumarase deficiency. Last evaluated: 2023-06-08. Review status: criteria provided, single submitter. Criteria: ACMG Guidelines, 2015. Collection method: clinical testing. Allele origin: germline. Affected: yes.
Comment: The variant is observed at an extremely low frequency in the gnomAD v2.1.1 dataset (total allele frequency: 0.002%). Predicted Consequence/Location: Missense variant In silico tool predictions suggest damaging effect of the variant on gene or gene product (REVEL: 0.86; 3Cnet: 0.91). Same nucleotide change resulting in same amino acid change has been previously reported to be associated with FH related disorder (PMID: 34643235). However, the evidence of pathogenicity is insufficient at this time. Therefore, this variant is classified as VUS according to the recommendation of ACMG/AMP guideline.

Department of Pathology and Laboratory Medicine, Sinai Health System
Classification: Uncertain significance for Hereditary leiomyomatosis and renal cell cancer; Fumarase deficiency. Last evaluated: 2022-08-10. Review status: criteria provided, single submitter. Criteria: ACMG Guidelines, 2015. Collection method: research. Allele origin: germline.

Institute for Clinical Genetics, University Hospital TU Dresden, University Hospital TU Dresden
Classification: Uncertain significance. Last evaluated: 2021-11-03. Review status: criteria provided, single submitter. Criteria: ACMG Guidelines, 2015. Collection method: clinical testing. Allele origin: germline.

Institute of Human Genetics Munich, TUM University Hospital
Classification: Likely pathogenic for Fumarase deficiency. Last evaluated: 2020-12-02. Review status: criteria provided, single submitter. Criteria: Classification criteria August 2017. Collection method: clinical testing. Allele origin: germline. Inheritance: Autosomal recessive inheritance. Affected: yes. Observed: 1 variant allele.

Illumina Laboratory Services, Illumina
Classification: Uncertain significance for Fumarase deficiency. Last evaluated: 2017-04-27. Review status: criteria provided, single submitter. Criteria: ICSL Variant Classification Criteria 13 December 2019. Collection method: clinical testing. Allele origin: germline.

Blake Wilde Laboratory, Roswell Park Comprehensive Cancer Center
No classification provided (evidence only). Condition: Hereditary leiomyomatosis and renal cell cancer. Review status: no classification provided. Collection method: in vitro. Allele origin: not applicable. Functional consequence: decreased enzyme activity. Not counted in ClinVar's aggregate classification.

Literature cited by the submitters: PubMed 34643235 (cited by 6 submitters); PubMed 36211164 (cited by Natera, Inc.); PubMed 37255402 (cited by Quest Diagnostics Nichols Institute San Juan Capistrano); PubMed 31118792 (cited by Quest Diagnostics Nichols Institute San Juan Capistrano).

NM_000143.4(FH):c.1048C>T (p.Arg350Trp)

Gene: FH (fumarate hydratase; minus strand). Cytogenetic location: 1q43.
Variant type: single nucleotide variant.
Coding change: c.1048C>T on transcript NM_000143.4 (MANE Select); coding-DNA position 1048, C replaced by T.
Protein change: p.Arg350Trp; replaces arginine 350 with tryptophan.
Molecular consequence: missense variant.
Genome position (GRCh38, 1-based): chr1:241,504,102, G>A on the plus strand (C>T on the coding strand, the complement: FH is on the minus strand). VCF-style: chr1-241504102-G-A. GRCh37 (hg19) VCF-style: chr1-241667402-G-A.
Other names: p.R350W:CGG>TGG; short protein forms R350W.
Identifiers: ClinVar variation 214418 (VCV000214418.46), dbSNP rs755436052, ClinGen allele CA323206.